The following is an entry in ClinVar:

NM_001943.5(DSG2):c.170C>T (p.Ala57Val)

Gene: DSG2 (desmoglein 2; plus strand). Cytogenetic location: 18q12.1.
Variant type: single nucleotide variant.
Coding change: c.170C>T on transcript NM_001943.5 (MANE Select); coding-DNA position 170, C replaced by T.
Protein change: p.Ala57Val; replaces alanine 57 with valine.
Molecular consequence: missense variant.
Genome position (GRCh38, 1-based): chr18:31,519,891, C>T. VCF-style: chr18-31519891-C-T. GRCh37 (hg19) VCF-style: chr18-29099854-C-T.
Other names: short protein forms A57V.
Identifiers: ClinVar variation 1450880 (VCV001450880.9), dbSNP rs756635006, ClinGen allele CA402130885.
Genomic context (GRCh38, chr18:31,519,891, plus strand): 5'-TGCTTCCTAAACATCCTCATTTAGTGCGGCAAAAGCGCGCCTGGATCACCGCCCCCGTGG[C>T]TCTTCGGGAGGGAGAGGATCTGTCCAAGAAGAATCCAATTGCCAAGGTACCTCCTAAAGA-3'
Protein context (NP_001934.2, residues 47-67): QKRAWITAPV[Ala57Val]LREGEDLSKK

ClinVar aggregate classification (germline): Uncertain significance. Review status: criteria provided, multiple submitters, no conflicts (2 of 4 stars). 3 submissions from 3 submitters: Uncertain significance (3). Last evaluated 2024-03-20.

Conditions:
Arrhythmogenic right ventricular cardiomyopathy (ARVD). Also called: Cardiomyopathy, ARVC; Arrhythmogenic right ventricular dysplasia; Arrhythmogenic Right Ventricular Cardiomyopathy (ARVC); Arrhythmogenic cardiomyopathy. Identifiers: Orphanet 247, MedGen C0349788, MeSH D019571, MONDO:0016587. Disease mechanism: loss of function. Inheritance: Various modes of inheritance.
Cardiomyopathy (CMYO). Also called: Cardiomyopathies. Identifiers: Orphanet 167848, MedGen C0878544, MONDO:0004994, HP:0001638. Inheritance: Various modes of inheritance.
Arrhythmogenic right ventricular dysplasia 10. Also called: Arrhythmogenic right ventricular dysplasia/cardiomyopathy, type 10; Arrhythmogenic Right Ventricular Dysplasia/Cardiomyopathy10; ARRHYTHMOGENIC RIGHT VENTRICULAR DYSPLASIA, FAMILIAL, 10. Identifiers: MedGen C1857777, MONDO:0012434, OMIM 610193.

Allele frequency attached by ClinVar (database versions not stated): gnomAD exomes below 0.00001.
gnomAD v4.1: 1 of 1,614,176 alleles (0.000062%); highest among the groups gnomAD compares: Admixed American, 0.0017%; no homozygotes.

Submissions (3):

Labcorp Genetics (formerly Invitae), Labcorp
Classification: Uncertain significance for Arrhythmogenic right ventricular dysplasia 10. Last evaluated: 2024-03-20. Review status: criteria provided, single submitter. Criteria: Invitae Variant Classification Sherloc (09022015). Collection method: clinical testing. Allele origin: germline.
Comment: This sequence change replaces alanine, which is neutral and non-polar, with valine, which is neutral and non-polar, at codon 57 of the DSG2 protein (p.Ala57Val). This variant is not present in population databases (gnomAD no frequency). This variant has not been reported in the literature in individuals affected with DSG2-related conditions. ClinVar contains an entry for this variant (Variation ID: 1450880). Advanced modeling of protein sequence and biophysical properties (such as structural, functional, and spatial information, amino acid conservation, physicochemical variation, residue mobility, and thermodynamic stability) performed at Invitae indicates that this missense variant is not expected to disrupt DSG2 protein function with a negative predictive value of 95%. In summary, the available evidence is currently insufficient to determine the role of this variant in disease. Therefore, it has been classified as a Variant of Uncertain Significance.

Color Diagnostics, LLC DBA Color Health
Classification: Uncertain significance for Cardiomyopathy. Last evaluated: 2024-03-06. Review status: criteria provided, single submitter. Criteria: ACMG Guidelines, 2015. Collection method: clinical testing. Allele origin: germline.
Comment: This missense variant replaces alanine with valine at codon 57 of the DSG2 protein. Computational prediction suggests that this variant may not impact protein structure and function (internally defined REVEL score threshold <= 0.5, PMID: 27666373). To our knowledge, functional studies have not been reported for this variant. This variant has not been reported in individuals affected with cardiovascular disorders in the literature. This variant has not been identified in the general population by the Genome Aggregation Database (gnomAD). The available evidence is insufficient to determine the role of this variant in disease conclusively. Therefore, this variant is classified as a Variant of Uncertain Significance.

All of Us Research Program, National Institutes of Health
Classification: Uncertain significance for Arrhythmogenic right ventricular cardiomyopathy. Last evaluated: 2023-10-02. Review status: criteria provided, single submitter. Criteria: ACMG Guidelines, 2015. Collection method: clinical testing. Allele origin: germline. Inheritance: Autosomal dominant inheritance. Observed: 1 variant allele, 1 heterozygote.
Comment: This missense variant replaces alanine with valine at codon 57 of the DSG2 protein. Computational prediction suggests that this variant may not impact protein structure and function (internally defined REVEL score threshold <= 0.5, PMID: 27666373). To our knowledge, functional studies have not been reported for this variant. This variant has not been reported in individuals affected with cardiovascular disorders in the literature. This variant has not been identified in the general population by the Genome Aggregation Database (gnomAD). The available evidence is insufficient to determine the role of this variant in disease conclusively. Therefore, this variant is classified as a Variant of Uncertain Significance.

This study involves interpretation of variants in research participants for the purpose of population health screening. Participant phenotype was not available at the time of variant classification. Additional details can be found in publication PMID: 35346344, PMCID: PMC8962531